The following is an entry in ClinVar:

NM_203486.3(DLL3):c.652+1G>A

Genes: DLL3 (delta like canonical Notch ligand 3; plus strand), LOC130064417 (ATAC-STARR-seq lymphoblastoid silent region 10608; plus strand). Cytogenetic location: 19q13.2.
Variant type: single nucleotide variant.
Coding change: c.652+1G>A on transcript NM_203486.3 (MANE Select); the canonical splice donor site of the intron after coding-DNA position 652, G replaced by A.
Molecular consequence: splice donor variant.
Genome position (GRCh38, 1-based): chr19:39,503,058, G>A. VCF-style: chr19-39503058-G-A. GRCh37 (hg19) VCF-style: chr19-39993698-G-A.
Other names: c.652+1G>A (NM_016941.4).
Identifiers: ClinVar variation 2843580 (VCV002843580.3), dbSNP rs962071242, ClinGen allele CA405796324.

ClinVar aggregate classification (germline): Likely pathogenic (1 of 4 stars; one submission).

Submission:

Labcorp Genetics (formerly Invitae), Labcorp
Classification: Likely pathogenic. Last evaluated: 2023-10-04. Review status: criteria provided, single submitter. Criteria: Invitae Variant Classification Sherloc (09022015). Collection method: clinical testing. Allele origin: germline.
Comment: This sequence change affects a donor splice site in intron 4 of the DLL3 gene. It is expected to disrupt RNA splicing. Variants that disrupt the donor or acceptor splice site typically lead to a loss of protein function (PMID: 16199547), and loss-of-function variants in DLL3 are known to be pathogenic (PMID: 12746394). This variant is not present in population databases (gnomAD no frequency). This variant has not been reported in the literature in individuals affected with DLL3-related conditions. Algorithms developed to predict the effect of sequence changes on RNA splicing suggest that this variant may disrupt the consensus splice site. In summary, the currently available evidence indicates that the variant is pathogenic, but additional data are needed to prove that conclusively. Therefore, this variant has been classified as Likely Pathogenic.

Literature cited by the submitters: PubMed 16199547; PubMed 12746394.